The following continues an entry in ClinVar:

NM_001384732.1(CPLANE1):c.8633-3del

Gene: CPLANE1. ClinVar aggregate classification (germline): Benign/Likely benign. Benign (5); Likely benign (1).

Submissions 30 to 68 of 68:

Dr. Peter K. Rogan Lab, Western University
No classification provided (evidence only). Condition: Nonpapillary renal cell carcinoma. Review status: no classification provided. Collection method: in vitro. Allele origin: not applicable. Functional consequence: retained intron. Not counted in ClinVar's aggregate classification.

Dr. Peter K. Rogan Lab, Western University
No classification provided (evidence only). Condition: Nonpapillary renal cell carcinoma. Review status: no classification provided. Collection method: in vitro. Allele origin: not applicable. Functional consequence: retained intron. Not counted in ClinVar's aggregate classification.

Dr. Peter K. Rogan Lab, Western University
No classification provided (evidence only). Condition: Nonpapillary renal cell carcinoma. Review status: no classification provided. Collection method: in vitro. Allele origin: not applicable. Functional consequence: skipped exon. Not counted in ClinVar's aggregate classification.

Dr. Peter K. Rogan Lab, Western University
No classification provided (evidence only). Condition: Nonpapillary renal cell carcinoma. Review status: no classification provided. Collection method: in vitro. Allele origin: not applicable. Functional consequence: retained intron. Not counted in ClinVar's aggregate classification.

Dr. Peter K. Rogan Lab, Western University
No classification provided (evidence only). Condition: Nonpapillary renal cell carcinoma. Review status: no classification provided. Collection method: in vitro. Allele origin: not applicable. Functional consequence: skipped exon, retained intron. Not counted in ClinVar's aggregate classification.

Dr. Peter K. Rogan Lab, Western University
No classification provided (evidence only). Condition: Nonpapillary renal cell carcinoma. Review status: no classification provided. Collection method: in vitro. Allele origin: not applicable. Functional consequence: skipped exon, retained intron. Not counted in ClinVar's aggregate classification.

Dr. Peter K. Rogan Lab, Western University
No classification provided (evidence only). Condition: Nonpapillary renal cell carcinoma. Review status: no classification provided. Collection method: in vitro. Allele origin: not applicable. Functional consequence: skipped exon. Not counted in ClinVar's aggregate classification.

Dr. Peter K. Rogan Lab, Western University
No classification provided (evidence only). Condition: Nonpapillary renal cell carcinoma. Review status: no classification provided. Collection method: in vitro. Allele origin: not applicable. Functional consequence: retained intron. Not counted in ClinVar's aggregate classification.

Dr. Peter K. Rogan Lab, Western University
No classification provided (evidence only). Condition: Familial pancreatic carcinoma. Review status: no classification provided. Collection method: in vitro. Allele origin: not applicable. Functional consequence: retained intron. Not counted in ClinVar's aggregate classification.

Dr. Peter K. Rogan Lab, Western University
No classification provided (evidence only). Condition: Familial pancreatic carcinoma. Review status: no classification provided. Collection method: in vitro. Allele origin: not applicable. Functional consequence: skipped exon. Not counted in ClinVar's aggregate classification.

Dr. Peter K. Rogan Lab, Western University
No classification provided (evidence only). Condition: Familial pancreatic carcinoma. Review status: no classification provided. Collection method: in vitro. Allele origin: not applicable. Functional consequence: skipped exon. Not counted in ClinVar's aggregate classification.

Dr. Peter K. Rogan Lab, Western University
No classification provided (evidence only). Condition: Familial pancreatic carcinoma. Review status: no classification provided. Collection method: in vitro. Allele origin: not applicable. Functional consequence: retained intron. Not counted in ClinVar's aggregate classification.

Dr. Peter K. Rogan Lab, Western University
No classification provided (evidence only). Condition: Familial pancreatic carcinoma. Review status: no classification provided. Collection method: in vitro. Allele origin: not applicable. Functional consequence: skipped exon, retained intron. Not counted in ClinVar's aggregate classification.

Dr. Peter K. Rogan Lab, Western University
No classification provided (evidence only). Condition: Familial pancreatic carcinoma. Review status: no classification provided. Collection method: in vitro. Allele origin: not applicable. Functional consequence: skipped exon, retained intron. Not counted in ClinVar's aggregate classification.

Dr. Peter K. Rogan Lab, Western University
No classification provided (evidence only). Condition: Familial pancreatic carcinoma. Review status: no classification provided. Collection method: in vitro. Allele origin: not applicable. Functional consequence: skipped exon, retained intron. Not counted in ClinVar's aggregate classification.

Dr. Peter K. Rogan Lab, Western University
No classification provided (evidence only). Condition: Familial pancreatic carcinoma. Review status: no classification provided. Collection method: in vitro. Allele origin: not applicable. Functional consequence: skipped exon. Not counted in ClinVar's aggregate classification.

Dr. Peter K. Rogan Lab, Western University
No classification provided (evidence only). Condition: Familial pancreatic carcinoma. Review status: no classification provided. Collection method: in vitro. Allele origin: not applicable. Functional consequence: skipped exon. Not counted in ClinVar's aggregate classification.

Dr. Peter K. Rogan Lab, Western University
No classification provided (evidence only). Condition: Hepatocellular carcinoma. Review status: no classification provided. Collection method: in vitro. Allele origin: not applicable. Functional consequence: retained intron. Not counted in ClinVar's aggregate classification.

Dr. Peter K. Rogan Lab, Western University
No classification provided (evidence only). Condition: Lymphoma. Review status: no classification provided. Collection method: in vitro. Allele origin: not applicable. Functional consequence: retained intron. Not counted in ClinVar's aggregate classification.

Dr. Peter K. Rogan Lab, Western University
No classification provided (evidence only). Condition: Lymphoma. Review status: no classification provided. Collection method: in vitro. Allele origin: not applicable. Functional consequence: retained intron. Not counted in ClinVar's aggregate classification.

Dr. Peter K. Rogan Lab, Western University
No classification provided (evidence only). Condition: Lymphoma. Review status: no classification provided. Collection method: in vitro. Allele origin: not applicable. Functional consequence: retained intron. Not counted in ClinVar's aggregate classification.

Dr. Peter K. Rogan Lab, Western University
No classification provided (evidence only). Condition: Lymphoma. Review status: no classification provided. Collection method: in vitro. Allele origin: not applicable. Functional consequence: skipped exon, retained intron. Not counted in ClinVar's aggregate classification.

Dr. Peter K. Rogan Lab, Western University
No classification provided (evidence only). Condition: Lymphoma. Review status: no classification provided. Collection method: in vitro. Allele origin: not applicable. Functional consequence: skipped exon. Not counted in ClinVar's aggregate classification.

Dr. Peter K. Rogan Lab, Western University
No classification provided (evidence only). Condition: Lymphoma. Review status: no classification provided. Collection method: in vitro. Allele origin: not applicable. Functional consequence: skipped exon, retained intron. Not counted in ClinVar's aggregate classification.

Dr. Peter K. Rogan Lab, Western University
No classification provided (evidence only). Condition: Lymphoma. Review status: no classification provided. Collection method: in vitro. Allele origin: not applicable. Functional consequence: skipped exon, retained intron. Not counted in ClinVar's aggregate classification.

Dr. Peter K. Rogan Lab, Western University
No classification provided (evidence only). Condition: Ovarian cancer. Review status: no classification provided. Collection method: in vitro. Allele origin: not applicable. Functional consequence: skipped exon. Not counted in ClinVar's aggregate classification.

Dr. Peter K. Rogan Lab, Western University
No classification provided (evidence only). Condition: Ovarian cancer. Review status: no classification provided. Collection method: in vitro. Allele origin: not applicable. Functional consequence: skipped exon. Not counted in ClinVar's aggregate classification.

Dr. Peter K. Rogan Lab, Western University
No classification provided (evidence only). Condition: Ovarian cancer. Review status: no classification provided. Collection method: in vitro. Allele origin: not applicable. Functional consequence: skipped exon, retained intron. Not counted in ClinVar's aggregate classification.

Dr. Peter K. Rogan Lab, Western University
No classification provided (evidence only). Condition: Ovarian cancer. Review status: no classification provided. Collection method: in vitro. Allele origin: not applicable. Functional consequence: skipped exon, retained intron. Not counted in ClinVar's aggregate classification.

Dr. Peter K. Rogan Lab, Western University
No classification provided (evidence only). Condition: Ovarian cancer. Review status: no classification provided. Collection method: in vitro. Allele origin: not applicable. Functional consequence: skipped exon. Not counted in ClinVar's aggregate classification.

Dr. Peter K. Rogan Lab, Western University
No classification provided (evidence only). Condition: Ovarian cancer. Review status: no classification provided. Collection method: in vitro. Allele origin: not applicable. Functional consequence: skipped exon, retained intron. Not counted in ClinVar's aggregate classification.

Dr. Peter K. Rogan Lab, Western University
No classification provided (evidence only). Condition: Ovarian cancer. Review status: no classification provided. Collection method: in vitro. Allele origin: not applicable. Functional consequence: skipped exon. Not counted in ClinVar's aggregate classification.

Dr. Peter K. Rogan Lab, Western University
No classification provided (evidence only). Condition: Ovarian cancer. Review status: no classification provided. Collection method: in vitro. Allele origin: not applicable. Functional consequence: skipped exon. Not counted in ClinVar's aggregate classification.

Dr. Peter K. Rogan Lab, Western University
No classification provided (evidence only). Condition: Ovarian cancer. Review status: no classification provided. Collection method: in vitro. Allele origin: not applicable. Functional consequence: skipped exon, retained intron. Not counted in ClinVar's aggregate classification.

Dr. Peter K. Rogan Lab, Western University
No classification provided (evidence only). Condition: Ovarian cancer. Review status: no classification provided. Collection method: in vitro. Allele origin: not applicable. Functional consequence: skipped exon, retained intron. Not counted in ClinVar's aggregate classification.

Dr. Peter K. Rogan Lab, Western University
No classification provided (evidence only). Condition: Ovarian cancer. Review status: no classification provided. Collection method: in vitro. Allele origin: not applicable. Functional consequence: skipped exon. Not counted in ClinVar's aggregate classification.

Dr. Peter K. Rogan Lab, Western University
No classification provided (evidence only). Condition: Ovarian cancer. Review status: no classification provided. Collection method: in vitro. Allele origin: not applicable. Functional consequence: skipped exon, retained intron. Not counted in ClinVar's aggregate classification.

Dr. Peter K. Rogan Lab, Western University
No classification provided (evidence only). Condition: Ovarian cancer. Review status: no classification provided. Collection method: in vitro. Allele origin: not applicable. Functional consequence: skipped exon, retained intron. Not counted in ClinVar's aggregate classification.

Laboratory of Diagnostic Genome Analysis, Leiden University Medical Center (LUMC)
Classification: Likely benign. Review status: no assertion criteria provided. Collection method: clinical testing. Allele origin: germline. Affected: yes. Study: VKGL Data-share Consensus. Not counted in ClinVar's aggregate classification.